The following is an entry in ClinVar:

ClinVar aggregate classification (germline): Likely pathogenic (1 of 4 stars; one submission).

Conditions:
Methylmalonic aciduria and homocystinuria type cblD (MAHCD). Also called: Methylmalonic aciduria with homocystinuria cblD type; METHYLMALONIC ACIDEMIA, cblH TYPE. Identifiers: Orphanet 622, Orphanet 79283, MedGen C1848552, MONDO:0010185, OMIM 277410.

Allele frequency attached by ClinVar (database versions not stated): TOPMed below 0.00001.

Submission:

Labcorp Genetics (formerly Invitae), Labcorp
Classification: Likely pathogenic for Methylmalonic aciduria and homocystinuria type cblD. Last evaluated: 2023-06-14. Review status: criteria provided, single submitter. Criteria: Invitae Variant Classification Sherloc (09022015). Collection method: clinical testing. Allele origin: germline.
Comment: This variant has not been reported in the literature in individuals affected with MMADHC-related conditions. This variant is not present in population databases (gnomAD no frequency). This sequence change affects an acceptor splice site in intron 2 of the MMADHC gene. It is expected to disrupt RNA splicing. Variants that disrupt the donor or acceptor splice site typically lead to a loss of protein function (PMID: 16199547), and loss-of-function variants in MMADHC are known to be pathogenic (PMID: 18385497). Algorithms developed to predict the effect of sequence changes on RNA splicing suggest that this variant may disrupt the consensus splice site. In summary, the currently available evidence indicates that the variant is pathogenic, but additional data are needed to prove that conclusively. Therefore, this variant has been classified as Likely Pathogenic.

Literature cited by the submitters: PubMed 16199547; PubMed 18385497.

NM_015702.3(MMADHC):c.10-2A>G

Gene: MMADHC (metabolism of cobalamin associated D; minus strand). Cytogenetic location: 2q23.2.
Variant type: single nucleotide variant.
Coding change: c.10-2A>G on transcript NM_015702.3 (MANE Select); the canonical splice acceptor site of the intron before coding-DNA position 10, A replaced by G.
Molecular consequence: splice acceptor variant.
Genome position (GRCh38, 1-based): chr2:149,582,273, T>C on the plus strand (A>G on the coding strand, the complement: MMADHC is on the minus strand). VCF-style: chr2-149582273-T-C. GRCh37 (hg19) VCF-style: chr2-150438787-T-C.
Identifiers: ClinVar variation 2848900 (VCV002848900.3), dbSNP rs1682806219, ClinGen allele CA348871265.
Genomic context (GRCh38, chr2:149,582,273, plus strand): 5'-TTAACTAAAGAGCAAAATCCTGGGAGATAGGAAACCAGTCTGGCTCTGTTACAAAGCACC[T>C]AGAAATGACACAAAATTAAAACTATTTGTTCTGAATATAAATGTTATACTTACATAGACA-3'